The following is an entry in ClinVar:

ClinVar aggregate classification (germline): Pathogenic (1 of 4 stars; one submission).

Conditions:
Neurofibromatosis, type 1 (NF1). Also called: VON RECKLINGHAUSEN DISEASE; Peripheral type neurofibromatosis; NEUROFIBROMATOSIS, TYPE I, SOMATIC; Neurofibromatosis, type I. Identifiers: Orphanet 636, MedGen C0027831, MONDO:0018975, OMIM 162200. Disease mechanism: loss of function.

Submission:

Labcorp Genetics (formerly Invitae), Labcorp
Classification: Pathogenic for Neurofibromatosis, type 1. Last evaluated: 2024-04-15. Review status: criteria provided, single submitter. Criteria: Invitae Variant Classification Sherloc (09022015). Collection method: clinical testing. Allele origin: germline.
Comment: This sequence change creates a premature translational stop signal (p.Ile988Metfs*4) in the NF1 gene. It is expected to result in an absent or disrupted protein product. Loss-of-function variants in NF1 are known to be pathogenic (PMID: 10712197, 23913538). This variant is not present in population databases (gnomAD no frequency). This variant has not been reported in the literature in individuals affected with NF1-related conditions. ClinVar contains an entry for this variant (Variation ID: 1069753). Algorithms developed to predict the effect of sequence changes on RNA splicing suggest that this variant may disrupt the consensus splice site. For these reasons, this variant has been classified as Pathogenic.

Literature cited by the submitters: PubMed 10712197; PubMed 23913538.

NM_001042492.3(NF1):c.2964del (p.Ile988fs)

Gene: NF1 (neurofibromin 1; plus strand). Cytogenetic location: 17q11.2.
Variant type: Deletion.
Coding change: c.2964del on transcript NM_001042492.3 (MANE Select); coding-DNA position 2964, one base deleted (T; older notation c.2964delT).
Protein change: p.Ile988fs; shifts the reading frame from isoleucine 988.
Molecular consequence: frameshift variant.
Genome position (GRCh38, 1-based): chr17:31,229,948, T deleted; the last of 2 consecutive T bases (chr17:31,229,947-31,229,948); deleting either gives the same sequence. VCF-style (leftmost placement, unchanged base first): chr17-31229946-AT-A. GRCh37 (hg19) VCF-style: chr17-29556964-AT-A.
Other names: c.2964delT, p.Ile988Metfs (NM_000267.4); short protein forms I988fs.
Identifiers: ClinVar variation 1069753 (VCV001069753.5), dbSNP rs2067084803, ClinGen allele CA1139770399.